The following is an entry in ClinVar:

NM_022051.3(EGLN1):c.864C>T (p.Gly288=)

Genes: EGLN1 (egl-9 family hypoxia inducible factor 1; minus strand), LOC129932769 (ATAC-STARR-seq lymphoblastoid active region 2730; plus strand). Cytogenetic location: 1q42.2.
Variant type: single nucleotide variant.
Coding change: c.864C>T on transcript NM_022051.3 (MANE Select); coding-DNA position 864, C replaced by T.
Protein change: p.Gly288=; no amino-acid change (glycine 288 retained).
Molecular consequence: synonymous variant.
Genome position (GRCh38, 1-based): chr1:231,421,025, G>A on the plus strand (C>T on the coding strand, the complement: EGLN1 is on the minus strand). VCF-style: chr1-231421025-G-A. GRCh37 (hg19) VCF-style: chr1-231556771-G-A.
Other names: c.864C>T, p.Gly288= (NM_001377260.1, NM_001377261.1).
Identifiers: ClinVar variation 1764167 (VCV001764167.11), dbSNP rs766607213, ClinGen allele CA1453093.

ClinVar aggregate classification (germline): Likely benign. Review status: criteria provided, multiple submitters, no conflicts (2 of 4 stars). 3 submissions from 3 submitters: Likely benign (3). Last evaluated 2025-04-01.

Conditions:
Erythrocytosis, familial, 3 (ECYT3). Identifiers: Orphanet 247511, MedGen C1853286, MONDO:0012353, OMIM 609820.

Allele frequency attached by ClinVar (database versions not stated): gnomAD exomes below 0.00001; gnomAD 0.00001; ExAC 0.00002; TOPMed 0.00004.
gnomAD v4.1: 7 of 1,613,882 alleles (0.00043%); highest among the groups gnomAD compares: East Asian, 0.0022%; no homozygotes.

Submissions (3):

CeGaT Center for Human Genetics Tuebingen
Classification: Likely benign. Last evaluated: 2025-04-01. Review status: criteria provided, single submitter. Criteria: CeGaT Center For Human Genetics Tuebingen Variant Classification Criteria Version 2. Collection method: clinical testing. Allele origin: germline. Affected: yes. Observed: 1 variant allele.
Comment: EGLN1: BP4, BP7

Labcorp Genetics (formerly Invitae), Labcorp
Classification: Likely benign for Erythrocytosis, familial, 3. Last evaluated: 2024-03-20. Review status: criteria provided, single submitter. Criteria: Invitae Variant Classification Sherloc (09022015). Collection method: clinical testing. Allele origin: germline.

Ambry Genetics
Classification: Likely benign. Last evaluated: 2022-09-25. Review status: criteria provided, single submitter. Criteria: Ambry Variant Classification Scheme 2023. Collection method: clinical testing. Allele origin: germline.